The following is an entry in ClinVar:

NM_003185.4(TAF4):c.2755_2756del (p.Glu919fs)

Gene: TAF4 (TATA-box binding protein associated factor 4; minus strand). Cytogenetic location: 20q13.33.
Variant type: Deletion.
Coding change: c.2755_2756del on transcript NM_003185.4 (MANE Select); coding-DNA positions 2755 to 2756, 2 bases deleted (GA; older notation c.2755_2756delGA).
Protein change: p.Glu919fs; shifts the reading frame from glutamic acid 919.
Molecular consequence: frameshift variant.
Genome position (GRCh38, 1-based): chr20:62,000,155-62,000,156, TC deleted on the plus strand (GA on the coding strand, the reverse complement: TAF4 is on the minus strand); deleting any 2 consecutive bases within chr20:62,000,155-62,000,157 gives the same sequence; the c. name uses the placement nearest the transcript's 3' end. VCF-style (leftmost placement, unchanged base first): chr20-62000154-TTC-T. GRCh37 (hg19) VCF-style: chr20-60575210-TTC-T.
Other names: short protein forms E919fs.
Identifiers: ClinVar variation 4855039 (VCV004855039.1).

ClinVar aggregate classification (germline): Likely pathogenic (1 of 4 stars; one submission).

Conditions:
Intellectual developmental disorder, autosomal dominant 73 (MRD73). Also called: TAF4-RELATED NDD; TAF4-RELATED NEURODEVELOPMENTAL DISORDER. Identifiers: MedGen C5830636, MONDO:0957536, OMIM 620450.

Submission:

3billion
Classification: Likely pathogenic for Intellectual developmental disorder, autosomal dominant 73. Last evaluated: 2025-11-19. Review status: criteria provided, single submitter. Criteria: ACMG Guidelines, 2015. Collection method: clinical testing. Allele origin: germline. Affected: yes.
Comment: The variant is not observed in the gnomAD v4.1.0 dataset. Predicted Consequence/Location: Frameshift: predicted to result in a loss or disruption of normal protein function through nonsense-mediated decay (NMD) or protein truncation. Multiple pathogenic variants are reported downstream of the variant. Therefore, this variant is classified as Likely pathogenic according to the recommendation of ACMG/AMP guideline.